The following is an entry in ClinVar:

NM_001379286.1(ZNF423):c.2269A>T (p.Met757Leu)

Gene: ZNF423 (zinc finger protein 423; minus strand). Cytogenetic location: 16q12.1.
Variant type: single nucleotide variant.
Coding change: c.2269A>T on transcript NM_001379286.1 (MANE Select); coding-DNA position 2269, A replaced by T.
Protein change: p.Met757Leu; replaces methionine 757 with leucine.
Molecular consequence: missense variant.
Genome position (GRCh38, 1-based): chr16:49,636,907, T>A on the plus strand (A>T on the coding strand, the complement: ZNF423 is on the minus strand). VCF-style: chr16-49636907-T-A. GRCh37 (hg19) VCF-style: chr16-49670818-T-A.
Other names: c.2245A>T (NM_015069.4); c.2065A>T, p.Met689Leu (NM_001271620.2); c.1894A>T, p.Met632Leu (NM_001330533.2); c.2245A>T, p.Met749Leu (NM_015069.5); short protein forms M632L, M689L, M757L, M749L.
Identifiers: ClinVar variation 1401335 (VCV001401335.7), dbSNP rs1972745525, ClinGen allele CA395843499.
Genomic context (GRCh38, chr16:49,636,907, plus strand): 5'-CGTGCACCTGCAGGTCAGCCTCCTTGCGGAAGTCCCAGTTGCAGGCCGTGCAGCGGTACA[T>A]CTTCTTCTCATTGCTGTGCTTCACCGCCAGGTGCACCTGGATGGACACCTTGGAGTCGAA-3'
Protein context (NP_001366215.1, residues 747-767): LAVKHSNEKK[Met757Leu]YRCTACNWDF

ClinVar aggregate classification (germline): Uncertain significance. Review status: criteria provided, multiple submitters, no conflicts (2 of 4 stars). 2 submissions from 2 submitters: Uncertain significance (2). Last evaluated 2026-08-04.

Conditions:
ZNF423-related disorder. Also called: ZNF423-related condition.
Nephronophthisis 14 (NPHP14). Identifiers: Orphanet 2318, MedGen C3539071, MONDO:0013916, OMIM 614844.

Allele frequency attached by ClinVar (database versions not stated): gnomAD exomes below 0.00001.
gnomAD v4.1: 1 of 1,613,888 alleles (0.000062%); highest among the groups gnomAD compares: Non-Finnish European, 0.000085%; no homozygotes.

Submissions (2):

PreventionGenetics, part of Exact Sciences
Classification: Uncertain significance for ZNF423-related condition. Last evaluated: 2026-08-04. Review status: criteria provided, single submitter. Criteria: ACMG Guidelines, 2015. Collection method: clinical testing. Allele origin: germline.
Comment: The ZNF423 c.2245A>T variant is predicted to result in the amino acid substitution p.Met749Leu. To our knowledge, this variant has not been reported in the literature or in a large population database (gnomAD), indicating this variant is rare. At this time, the clinical significance of this variant is uncertain due to the absence of conclusive functional and genetic evidence.

Labcorp Genetics (formerly Invitae), Labcorp
Classification: Uncertain significance for Nephronophthisis 14. Last evaluated: 2022-08-05. Review status: criteria provided, single submitter. Criteria: Invitae Variant Classification Sherloc (09022015). Collection method: clinical testing. Allele origin: germline.
Comment: This sequence change replaces methionine, which is neutral and non-polar, with leucine, which is neutral and non-polar, at codon 749 of the ZNF423 protein (p.Met749Leu). This variant is not present in population databases (gnomAD no frequency). In summary, the available evidence is currently insufficient to determine the role of this variant in disease. Therefore, it has been classified as a Variant of Uncertain Significance. Algorithms developed to predict the effect of missense changes on protein structure and function (SIFT, PolyPhen-2, Align-GVGD) all suggest that this variant is likely to be tolerated. ClinVar contains an entry for this variant (Variation ID: 1401335). This variant has not been reported in the literature in individuals affected with ZNF423-related conditions.